The following is an entry in ClinVar:

ClinVar aggregate classification (germline): Uncertain significance (1 of 4 stars; one submission).

Conditions:
Glycogen storage disease IXb (GSD9B). Also called: GLYCOGENOSIS OF LIVER AND MUSCLE, AUTOSOMAL RECESSIVE; GSD IXb; PHOSPHORYLASE KINASE DEFICIENCY OF LIVER AND MUSCLE, AUTOSOMAL RECESSIVE. Identifiers: Orphanet 79240, MedGen C0543514, MONDO:0009868, OMIM 261750.

gnomAD v4.1: 9 of 1,613,422 alleles (0.00056%); highest among the groups gnomAD compares: Non-Finnish European, 0.00076%; no homozygotes.

Submission:

Labcorp Genetics (formerly Invitae), Labcorp
Classification: Uncertain significance for Glycogen storage disease IXb. Last evaluated: 2024-07-24. Review status: criteria provided, single submitter. Criteria: Invitae Variant Classification Sherloc (09022015). Collection method: clinical testing. Allele origin: germline.
Comment: This sequence change replaces isoleucine, which is neutral and non-polar, with methionine, which is neutral and non-polar, at codon 673 of the PHKB protein (p.Ile673Met). This variant is present in population databases (rs755903969, gnomAD 0.0009%). This variant has not been reported in the literature in individuals affected with PHKB-related conditions. An algorithm developed to predict the effect of missense changes on protein structure and function (PolyPhen-2) suggests that this variant is likely to be disruptive. In summary, the available evidence is currently insufficient to determine the role of this variant in disease. Therefore, it has been classified as a Variant of Uncertain Significance.

NM_000293.3(PHKB):c.2019C>G (p.Ile673Met)

Gene: PHKB (phosphorylase kinase regulatory subunit beta; plus strand). Cytogenetic location: 16q12.1.
Variant type: single nucleotide variant.
Coding change: c.2019C>G on transcript NM_000293.3 (MANE Select); coding-DNA position 2019, C replaced by G.
Protein change: p.Ile673Met; replaces isoleucine 673 with methionine.
Molecular consequence: missense variant.
Genome position (GRCh38, 1-based): chr16:47,660,553, C>G. VCF-style: chr16-47660553-C-G. GRCh37 (hg19) VCF-style: chr16-47694464-C-G.
Other names: c.1998C>G, p.Ile666Met (NM_001031835.3); c.2019C>G, p.Ile673Met (NM_001363837.1); short protein forms I666M, I673M.
Identifiers: ClinVar variation 3695417 (VCV003695417.2).